The following is an entry in ClinVar:

ClinVar aggregate classification (germline): Uncertain significance (1 of 4 stars; one submission).

Conditions:
Arrhythmogenic right ventricular dysplasia 5. Also called: Arrhythmogenic Right Ventricular Dysplasia/Cardiomyopathy 5; ARRHYTHMOGENIC RIGHT VENTRICULAR DYSPLASIA, FAMILIAL, 5. Identifiers: MedGen C1858379, MONDO:0011459, OMIM 604400.

Submission:

Labcorp Genetics (formerly Invitae), Labcorp
Classification: Uncertain significance for Arrhythmogenic right ventricular dysplasia 5. Last evaluated: 2024-03-09. Review status: criteria provided, single submitter. Criteria: Invitae Variant Classification Sherloc (09022015). Collection method: clinical testing. Allele origin: germline.
Comment: This sequence change replaces lysine, which is basic and polar, with asparagine, which is neutral and polar, at codon 199 of the TMEM43 protein (p.Lys199Asn). This variant is not present in population databases (gnomAD no frequency). This variant has not been reported in the literature in individuals affected with TMEM43-related conditions. Advanced modeling of protein sequence and biophysical properties (such as structural, functional, and spatial information, amino acid conservation, physicochemical variation, residue mobility, and thermodynamic stability) performed at Invitae indicates that this missense variant is not expected to disrupt TMEM43 protein function with a negative predictive value of 80%. In summary, the available evidence is currently insufficient to determine the role of this variant in disease. Therefore, it has been classified as a Variant of Uncertain Significance.

NM_024334.3(TMEM43):c.597A>T (p.Lys199Asn)

Gene: TMEM43 (transmembrane protein 43; plus strand). Cytogenetic location: 3p25.1.
Variant type: single nucleotide variant.
Coding change: c.597A>T on transcript NM_024334.3 (MANE Select); coding-DNA position 597, A replaced by T.
Protein change: p.Lys199Asn; replaces lysine 199 with asparagine.
Molecular consequence: missense variant.
Genome position (GRCh38, 1-based): chr3:14,134,783, A>T. VCF-style: chr3-14134783-A-T. GRCh37 (hg19) VCF-style: chr3-14176283-A-T.
Other names: c.600A>T, p.Lys200Asn (NM_001407274.1); c.597A>T, p.Lys199Asn (NM_001407275.1, NM_001407276.1, NM_001407277.1 and 1 more transcripts); c.582A>T, p.Lys194Asn (NM_001407278.1); c.447A>T, p.Lys149Asn (NM_001407280.1); short protein forms K194N, K149N, K200N, K199N.
Identifiers: ClinVar variation 3645171 (VCV003645171.2).